The following is an entry in ClinVar:

NM_003200.5(TCF3):c.860T>C (p.Leu287Pro)

Gene: TCF3 (transcription factor 3; minus strand). Cytogenetic location: 19p13.3.
Variant type: single nucleotide variant.
Coding change: c.860T>C on transcript NM_003200.5 (MANE Select); coding-DNA position 860, T replaced by C.
Protein change: p.Leu287Pro; replaces leucine 287 with proline.
Molecular consequence: missense variant.
Genome position (GRCh38, 1-based): chr19:1,621,933, A>G on the plus strand (T>C on the coding strand, the complement: TCF3 is on the minus strand). VCF-style: chr19-1621933-A-G. GRCh37 (hg19) VCF-style: chr19-1621932-A-G.
Other names: c.860T>C, p.Leu287Pro (NM_001136139.4, NM_001351778.2, NM_001351779.2); short protein forms L287P.
Identifiers: ClinVar variation 3647854 (VCV003647854.2).
Genomic context (GRCh38, chr19:1,621,933, plus strand): 5'-TGGCTGGAGACGCCGCCGTACGTGGCTCCGGGGGCTGAGGAGAAGGAGGATGCAGATGGG[A>G]GCCCACCGTTCACCTCTGCTCCATGCAGCTGGTAGCCCTGGGGGGTCAGGCAGGAGGAGG-3'
Protein context (NP_003191.1, residues 277-297): QLHGAEVNGG[Leu287Pro]PSASSFSSAP

ClinVar aggregate classification (germline): Uncertain significance (1 of 4 stars; one submission).

gnomAD v4.1: 5 of 1,605,724 alleles (0.00031%); highest among the groups gnomAD compares: Non-Finnish European, 0.00042%; no homozygotes.

Submission:

Labcorp Genetics (formerly Invitae), Labcorp
Classification: Uncertain significance. Last evaluated: 2024-05-31. Review status: criteria provided, single submitter. Criteria: Invitae Variant Classification Sherloc (09022015). Collection method: clinical testing. Allele origin: germline.
Comment: This sequence change replaces leucine, which is neutral and non-polar, with proline, which is neutral and non-polar, at codon 287 of the TCF3 protein (p.Leu287Pro). This variant is not present in population databases (gnomAD no frequency). This variant has not been reported in the literature in individuals affected with TCF3-related conditions. Advanced modeling of protein sequence and biophysical properties (such as structural, functional, and spatial information, amino acid conservation, physicochemical variation, residue mobility, and thermodynamic stability) performed at Invitae indicates that this missense variant is expected to disrupt TCF3 protein function with a positive predictive value of 80%. In summary, the available evidence is currently insufficient to determine the role of this variant in disease. Therefore, it has been classified as a Variant of Uncertain Significance.